The following is an entry in ClinVar:

ClinVar aggregate classification (germline): Uncertain significance. Review status: criteria provided, multiple submitters, no conflicts (2 of 4 stars). 3 submissions from 3 submitters: Uncertain significance (3). Last evaluated 2025-11-21.

Conditions:
Inborn genetic diseases. Identifiers: MedGen C0950123, MeSH D030342.
Junctional epidermolysis bullosa, non-Herlitz type. Also called: EPIDERMOLYSIS BULLOSA JUNCTIONALIS, DISENTIS TYPE; EPIDERMOLYSIS BULLOSA JUNCTIONALIS, NON-HERLITZ TYPE; EPIDERMOLYSIS BULLOSA JUNCTIONALIS, PROGRESSIVE; EPIDERMOLYSIS BULLOSA JUNCTIONALIS, SEVERE NONLETHAL; Adult junctional epidermolysis bullosa; Epidermolysis bullosa, junctional, non-herlitz type, somatic mosaic revertant. Identifiers: Orphanet 251393, Orphanet 79402, Orphanet 79405, Orphanet 89840, MedGen C0268374, MONDO:0009180, OMIM 226650.

Allele frequency attached by ClinVar (database versions not stated): gnomAD 0.00001; TOPMed 0.00003; ExAC 0.00004; 1000 Genomes Project 30x 0.00016; 1000 Genomes Project 0.00020.
gnomAD v4.1: 19 of 1,579,826 alleles (0.0012%); highest among the groups gnomAD compares: Admixed American, 0.0055%; no homozygotes.

Submissions (3):

Labcorp Genetics (formerly Invitae), Labcorp
Classification: Uncertain significance. Last evaluated: 2025-11-21. Review status: criteria provided, single submitter. Criteria: Invitae Variant Classification Sherloc (09022015). Collection method: clinical testing. Allele origin: germline.
Comment: This sequence change replaces glycine, which is neutral and non-polar, with serine, which is neutral and polar, at codon 484 of the COL17A1 protein (p.Gly484Ser). The frequency data for this variant in the population databases is considered unreliable, as metrics indicate poor data quality at this position in the gnomAD database. This variant has not been reported in the literature in individuals affected with COL17A1-related conditions. ClinVar contains an entry for this variant (Variation ID: 298733). Invitae Evidence Modeling of protein sequence and biophysical properties (such as structural, functional, and spatial information, amino acid conservation, physicochemical variation, residue mobility, and thermodynamic stability) has been performed for this missense variant. However, the output from this modeling did not meet the statistical confidence thresholds required to predict the impact of this variant on COL17A1 protein function. In summary, the available evidence is currently insufficient to determine the role of this variant in disease. Therefore, it has been classified as a Variant of Uncertain Significance.

Ambry Genetics
Classification: Uncertain significance for Inborn genetic diseases. Last evaluated: 2023-12-08. Review status: criteria provided, single submitter. Criteria: Ambry Variant Classification Scheme 2023. Collection method: clinical testing. Allele origin: germline.

Illumina Laboratory Services, Illumina
Classification: Uncertain significance for Junctional epidermolysis bullosa, non-Herlitz type. Last evaluated: 2018-01-12. Review status: criteria provided, single submitter. Criteria: ICSL Variant Classification Criteria 13 December 2019. Collection method: clinical testing. Allele origin: germline.

NM_000494.4(COL17A1):c.1450G>A (p.Gly484Ser)

Gene: COL17A1 (collagen type XVII alpha 1 chain; minus strand). Cytogenetic location: 10q25.1.
Variant type: single nucleotide variant.
Coding change: c.1450G>A on transcript NM_000494.4 (MANE Select); coding-DNA position 1450, G replaced by A.
Protein change: p.Gly484Ser; replaces glycine 484 with serine.
Molecular consequence: missense variant.
Genome position (GRCh38, 1-based): chr10:104,056,990, C>T on the plus strand (G>A on the coding strand, the complement: COL17A1 is on the minus strand). VCF-style: chr10-104056990-C-T. GRCh37 (hg19) VCF-style: chr10-105816748-C-T.
Other names: c.1450G>A, p.Gly484Ser (LRG_1249t1); short protein forms G484S.
Identifiers: ClinVar variation 298733 (VCV000298733.7), dbSNP rs572880557, ClinGen allele CA5679043.